The following is an entry in ClinVar:

ClinVar aggregate classification (germline): Uncertain significance (1 of 4 stars; one submission).

Conditions:
Hereditary cancer-predisposing syndrome. Also called: Tumor predisposition; Hereditary neoplastic syndrome; Hereditary Cancer Syndrome; Neoplastic Syndromes, Hereditary. Identifiers: Orphanet 140162, MedGen C0027672, MeSH D009386, MONDO:0015356.

Submission:

Ambry Genetics
Classification: Uncertain significance for Hereditary cancer-predisposing syndrome. Last evaluated: 2025-05-03. Review status: criteria provided, single submitter. Criteria: Ambry Variant Classification Scheme 2023. Collection method: clinical testing. Allele origin: germline.
Comment: The p.V789L variant (also known as c.2365G>C), located in coding exon 21 of the TSC2 gene, results from a G to C substitution at nucleotide position 2365. The valine at codon 789 is replaced by leucine, an amino acid with highly similar properties. This amino acid position is conserved. In addition, this alteration is predicted to be deleterious by in silico analysis. Based on the available evidence, the clinical significance of this variant remains unclear.

NM_000548.5(TSC2):c.2365G>C (p.Val789Leu)

Gene: TSC2 (TSC complex subunit 2; plus strand). Cytogenetic location: 16p13.3.
Variant type: single nucleotide variant.
Coding change: c.2365G>C on transcript NM_000548.5 (MANE Select); coding-DNA position 2365, G replaced by C.
Protein change: p.Val789Leu; replaces valine 789 with leucine.
Molecular consequence: missense variant. On other transcripts: non-coding transcript variant (5).
Genome position (GRCh38, 1-based): chr16:2,074,209, G>C. VCF-style: chr16-2074209-G-C. GRCh37 (hg19) VCF-style: chr16-2124210-G-C.
Other names: c.2365G>C, p.Val789Leu (NM_001077183.3, NM_001114382.3, NM_001363528.2 and 6 more transcripts); c.2254G>C, p.Val752Leu (NM_001318827.2, NM_001406670.1, NM_001406678.1); c.2218G>C, p.Val740Leu (NM_001318829.2, NM_001406675.1, NM_001406676.1 and 1 more transcripts); c.1765G>C, p.Val589Leu (NM_001318831.2, NM_001406682.1, NM_001406683.1 and 6 more transcripts); c.2398G>C, p.Val800Leu (NM_001318832.2); c.2455G>C, p.Val819Leu (NM_001406667.1, NM_001406668.1); c.1021G>C, p.Val341Leu (NM_001406689.1, NM_001406690.1, NM_001406691.1 and 6 more transcripts); c.763G>C, p.Val255Leu (NM_001406698.1); and 3 more; short protein forms V341L, V635L, V752L, V789L, V255L, V740L, V770L, V800L.
Identifiers: ClinVar variation 3974673 (VCV003974673.1).